The following is an entry in ClinVar:

NC_000002.12:g.(?_214728666)_(214730518_?)del

Gene: BARD1 (BRCA1 associated RING domain 1; minus strand). Cytogenetic location: 2q35.
Variant type: Deletion.
Identifiers: ClinVar variation 655756 (VCV000655756.3).

ClinVar aggregate classification (germline): Likely pathogenic (1 of 4 stars; one submission).

Conditions:
Familial cancer of breast. Also called: Hereditary breast cancer; hereditary breast carcinoma; BREAST CANCER, FAMILIAL. Identifiers: Orphanet 227535, MedGen C0346153, MONDO:0016419, OMIM 114480. Disease mechanism: loss of function.

Submission:

Labcorp Genetics (formerly Invitae), Labcorp
Classification: Likely pathogenic for Hereditary Breast Carcinoma. Last evaluated: 2019-11-25. Review status: criteria provided, single submitter. Criteria: Invitae Variant Classification Sherloc (09022015). Collection method: clinical testing. Allele origin: germline.
Comment: This variant is a gross deletion of the genomic region encompassing exons 10-11 of the BARD1 gene. The 5' boundary is likely confined to intron 9. The 3' end of this event is unknown as it extends through the termination codon beyond the assayed region for this gene and may encompass additional genes. While this deletion is not anticipated to result in nonsense mediated decay, it is expected to create a truncated protein product or disrupt mRNA translation. This variant has not been reported in the literature in individuals with BARD1-related conditions. This variant disrupts the BRCT1 and BRCT2 domains of the BARD1 protein, which are necessary for its normal functioning (PMID: 26315354, 17550235, 26738429, 17848578, 26022179). While functional studies have not been performed to directly test the effect of this variant on BARD1 protein function, this suggests that disruption of this region of the protein is causative of disease. In summary, the currently available evidence indicates that the variant is pathogenic, but additional data are needed to prove that conclusively. Therefore, this variant has been classified as Likely Pathogenic.

Literature cited by the submitters: PubMed 26022179; PubMed 26315354; PubMed 17848578; PubMed 26738429; PubMed 17550235.